The following is an entry in ClinVar:

ClinVar aggregate classification (germline): Likely pathogenic (1 of 4 stars; one submission).

Conditions:
Polycystic kidney disease 2 (PKD2). Also called: POLYCYSTIC KIDNEY DISEASE 2 WITH OR WITHOUT POLYCYSTIC LIVER DISEASE; Polycystic Kidney Disease 2, Autosomal Dominant; POLYCYSTIC KIDNEY DISEASE, ADULT, TYPE II. Identifiers: MedGen C2751306, MONDO:0013131, OMIM 613095.

Allele frequency attached by ClinVar (database versions not stated): gnomAD exomes below 0.00001.

Submission:

Cavalleri Lab, Royal College of Surgeons in Ireland
Classification: Likely pathogenic for Polycystic kidney disease 2. Last evaluated: 2020-02-05. Review status: criteria provided, single submitter. Criteria: ACMG Guidelines, 2015. Collection method: research. Allele origin: unknown. Inheritance: Autosomal dominant inheritance. Affected: yes.
Comment: PM2, PM4, PP2, PP4

NM_000297.4(PKD2):c.982_984del (p.Asn328del)

Gene: PKD2 (polycystin 2, transient receptor potential cation channel; plus strand). Cytogenetic location: 4q22.1.
Variant type: Deletion.
Coding change: c.982_984del on transcript NM_000297.4 (MANE Select); coding-DNA positions 982 to 984, 3 bases deleted (AAT; older notation c.982_984delAAT).
Protein change: p.Asn328del; deletes asparagine 328.
Molecular consequence: inframe deletion. On other transcripts: non-coding transcript variant (1).
Genome position (GRCh38, 1-based): chr4:88,038,389-88,038,391, AAT deleted. VCF-style (leftmost placement, unchanged base first): chr4-88038388-AAAT-A. GRCh37 (hg19) VCF-style: chr4-88959540-AAAT-A.
Other names: p.328_328del; short protein forms N328del.
Identifiers: ClinVar variation 873383 (VCV000873383.1), dbSNP rs1727421192, ClinGen allele CA1139658172.